The following is an entry in ClinVar:

ClinVar aggregate classification (germline): Uncertain significance. Review status: criteria provided, multiple submitters, no conflicts (2 of 4 stars). 2 submissions from 2 submitters: Uncertain significance (2). Last evaluated 2022-03-16.

Conditions:
Autosomal dominant Robinow syndrome 1. Also called: Covesdem syndrome (formerly); Costovertebral segmentation defect with mesomelia (formerly); ACRAL DYSOSTOSIS WITH FACIAL AND GENITAL ABNORMALITIES; FETAL FACE SYNDROME; ROBINOW DWARFISM; WNT5A-Related Robinow Syndrome, Autosomal Dominant. Identifiers: Orphanet 3107, Orphanet 97360, MedGen C4551475, MONDO:0024455, OMIM 180700.

gnomAD v4.1: 89 of 1,611,330 alleles (0.0055%); highest among the groups gnomAD compares: Non-Finnish European, 0.0075%; no homozygotes.

Submissions (2):

Fulgent Genetics
Classification: Uncertain significance for Autosomal dominant Robinow syndrome 1. Last evaluated: 2022-03-16. Review status: criteria provided, single submitter. Criteria: ACMG Guidelines, 2015. Collection method: clinical testing. Allele origin: unknown.

GeneDx
Classification: Uncertain significance. Last evaluated: 2019-12-23. Review status: criteria provided, single submitter. Criteria: GeneDx Variant Classification Process June 2021. Collection method: clinical testing. Allele origin: germline. Affected: yes.
Comment: Located in a region that tolerates variation and lacks pathogenic variants; Has not been previously published as pathogenic or benign to our knowledge

NM_003392.7(WNT5A):c.-6C>A

Gene: WNT5A (Wnt family member 5A; minus strand). Cytogenetic location: 3p14.3.
Variant type: single nucleotide variant.
Coding change: c.-6C>A on transcript NM_003392.7 (MANE Select); 6 bases upstream of the start codon, C replaced by A.
Molecular consequence: 5 prime UTR variant.
Genome position (GRCh38, 1-based): chr3:55,486,991, G>T on the plus strand (C>A on the coding strand, the complement: WNT5A is on the minus strand). VCF-style: chr3-55486991-G-T. GRCh37 (hg19) VCF-style: chr3-55521019-G-T.
Identifiers: ClinVar variation 1311644 (VCV001311644.3), dbSNP rs372156419, ClinGen allele CA74909570.